The following is an entry in ClinVar:

NM_005591.4(MRE11):c.298A>C (p.Asn100His)

Gene: MRE11 (MRE11 double strand break repair nuclease; minus strand). Cytogenetic location: 11q21.
Variant type: single nucleotide variant.
Coding change: c.298A>C on transcript NM_005591.4 (MANE Select); coding-DNA position 298, A replaced by C.
Protein change: p.Asn100His; replaces asparagine 100 with histidine.
Molecular consequence: missense variant.
Genome position (GRCh38, 1-based): chr11:94,485,940, T>G on the plus strand (A>C on the coding strand, the complement: MRE11 is on the minus strand). VCF-style: chr11-94485940-T-G. GRCh37 (hg19) VCF-style: chr11-94219106-T-G.
Other names: c.298A>C, p.Asn100His (NM_001330347.2, NM_005590.4); short protein forms N100H.
Identifiers: ClinVar variation 2451366 (VCV002451366.2), dbSNP rs2496618780, ClinGen allele CA382379430.

ClinVar aggregate classification (germline): Uncertain significance (1 of 4 stars; one submission).

Conditions:
Hereditary cancer-predisposing syndrome. Also called: Neoplastic Syndromes, Hereditary; Tumor predisposition; Hereditary neoplastic syndrome; Hereditary Cancer Syndrome. Identifiers: Orphanet 140162, MedGen C0027672, MeSH D009386, MONDO:0015356.

Submission:

Ambry Genetics
Classification: Uncertain significance for Hereditary cancer-predisposing syndrome. Last evaluated: 2023-01-04. Review status: criteria provided, single submitter. Criteria: Ambry Variant Classification Scheme 2023. Collection method: clinical testing. Allele origin: germline.
Comment: The p.N100H variant (also known as c.298A>C), located in coding exon 3 of the MRE11A gene, results from an A to C substitution at nucleotide position 298. The asparagine at codon 100 is replaced by histidine, an amino acid with similar properties. This amino acid position is conserved. In addition, the in silico prediction for this alteration is inconclusive. Since supporting evidence is limited at this time, the clinical significance of this alteration remains unclear.